The following is an entry in ClinVar:

NM_021930.6(RINT1):c.1476G>A (p.Arg492=)

Gene: RINT1 (RAD50 interactor 1; plus strand). Cytogenetic location: 7q22.3.
Variant type: single nucleotide variant.
Coding change: c.1476G>A on transcript NM_021930.6 (MANE Select); coding-DNA position 1476, G replaced by A.
Protein change: p.Arg492=; no amino-acid change (arginine 492 retained).
Molecular consequence: synonymous variant.
Genome position (GRCh38, 1-based): chr7:105,555,032, G>A. VCF-style: chr7-105555032-G-A. GRCh37 (hg19) VCF-style: chr7-105195479-G-A.
Other names: c.1242G>A, p.Arg414= (NM_001346599.2); c.453G>A, p.Arg151= (NM_001346600.2, NM_001346603.2); c.552G>A, p.Arg184= (NM_001346601.2).
Identifiers: ClinVar variation 1543635 (VCV001543635.10), dbSNP rs566923305, ClinGen allele CA164060349.
Genomic context (GRCh38, chr7:105,555,032, plus strand): 5'-AACTATATCATAGATGGTACCAAAACCTTCATATGTCTTAATAACTTTTTCCACAGACAG[G>A]TATAAAAATCTTCCCACAGCTTCCCGAAAGCTTCAGTTCCTGGAGTTACAGAAGGACTTA-3'
Protein context (NP_068749.3, residues 482-502): FMTLLLVITD[Arg492=]YKNLPTASRK

ClinVar aggregate classification (germline): Conflicting classifications of pathogenicity. Review status: criteria provided, conflicting classifications (1 of 4 stars). 2 submissions from 2 submitters: Uncertain significance (1); Likely benign (1). Last evaluated 2025-08-15.

Allele frequency attached by ClinVar (database versions not stated): 1000 Genomes Project 30x 0.00016; 1000 Genomes Project 0.00020; gnomAD 0.00001; gnomAD exomes 0.00001; TOPMed 0.00001.
gnomAD v4.1: 10 of 1,613,196 alleles (0.00062%); highest among the groups gnomAD compares: Admixed American, 0.015%; no homozygotes.

Submissions (2):

Labcorp Genetics (formerly Invitae), Labcorp
Classification: Likely benign. Last evaluated: 2025-08-15. Review status: criteria provided, single submitter. Criteria: Invitae Variant Classification Sherloc (09022015). Collection method: clinical testing. Allele origin: germline.

Ambry Genetics
Classification: Uncertain significance. Last evaluated: 2021-03-02. Review status: criteria provided, single submitter. Criteria: Ambry Variant Classification Scheme 2023. Collection method: clinical testing. Allele origin: germline.
Comment: The c.1476G>A variant (also known as p.R492R), located in coding exon 11 of the RINT1 gene, results from a G to A substitution at nucleotide position 1476. This nucleotide substitution does not change the amino acid at codon 492. This nucleotide position is not well conserved in available vertebrate species. In silico splice site analysis predicts that this alteration may result in the creation or strengthening of a novel splice acceptor site. Since supporting evidence is limited at this time, the clinical significance of this alteration remains unclear.